The following is an entry in ClinVar:

NM_005189.3(CBX2):c.1430C>A (p.Pro477His)

Gene: CBX2 (chromobox 2; plus strand). Cytogenetic location: 17q25.3.
Variant type: single nucleotide variant.
Coding change: c.1430C>A on transcript NM_005189.3 (MANE Select); coding-DNA position 1430, C replaced by A.
Protein change: p.Pro477His; replaces proline 477 with histidine.
Molecular consequence: missense variant.
Genome position (GRCh38, 1-based): chr17:79,784,873, C>A. VCF-style: chr17-79784873-C-A. GRCh37 (hg19) VCF-style: chr17-77758672-C-A.
Other names: short protein forms P477H.
Identifiers: ClinVar variation 1939548 (VCV001939548.5), dbSNP rs1555831413, ClinGen allele CA401341287.

ClinVar aggregate classification (germline): Uncertain significance (1 of 4 stars; one submission).

Allele frequency attached by ClinVar (database versions not stated): TOPMed 0.00001.
gnomAD v4.1: 4 of 1,613,460 alleles (0.00025%); highest among the groups gnomAD compares: Non-Finnish European, 0.00034%; no homozygotes.

Submission:

Labcorp Genetics (formerly Invitae), Labcorp
Classification: Uncertain significance. Last evaluated: 2022-06-04. Review status: criteria provided, single submitter. Criteria: Invitae Variant Classification Sherloc (09022015). Collection method: clinical testing. Allele origin: germline.
Comment: In summary, the available evidence is currently insufficient to determine the role of this variant in disease. Therefore, it has been classified as a Variant of Uncertain Significance. Algorithms developed to predict the effect of missense changes on protein structure and function are either unavailable or do not agree on the potential impact of this missense change (SIFT: "Deleterious"; PolyPhen-2: "Probably Damaging"; Align-GVGD: "Class C0"). This variant has not been reported in the literature in individuals affected with CBX2-related conditions. The frequency data for this variant in the population databases is considered unreliable, as metrics indicate poor data quality at this position in the gnomAD database. This sequence change replaces proline, which is neutral and non-polar, with histidine, which is basic and polar, at codon 477 of the CBX2 protein (p.Pro477His).